The following is an entry in ClinVar:

ClinVar aggregate classification (germline): Uncertain significance. Review status: criteria provided, multiple submitters, no conflicts (2 of 4 stars). 2 submissions from 2 submitters: Uncertain significance (2). Last evaluated 2021-09-20.

Conditions:
FG syndrome (FGS). Identifiers: MedGen C0220769, MONDO:0002010.

Allele frequency attached by ClinVar (database versions not stated): gnomAD exomes below 0.00001.
gnomAD v4.1: 1 of 1,211,477 alleles (0.000083%); highest among the groups gnomAD compares: Non-Finnish European, 0.00011%; no homozygotes.

Submissions (2):

Labcorp Genetics (formerly Invitae), Labcorp
Classification: Uncertain significance for FG syndrome. Last evaluated: 2021-09-20. Review status: criteria provided, single submitter. Criteria: Invitae Variant Classification Sherloc (09022015). Collection method: clinical testing. Allele origin: germline.
Comment: This sequence change replaces serine with asparagine at codon 1042 of the MED12 protein (p.Ser1042Asn). The serine residue is highly conserved and there is a small physicochemical difference between serine and asparagine. This variant is not present in population databases (ExAC no frequency). This variant has not been reported in the literature in individuals affected with MED12-related conditions. Algorithms developed to predict the effect of missense changes on protein structure and function (SIFT, PolyPhen-2, Align-GVGD) all suggest that this variant is likely to be tolerated. In summary, the available evidence is currently insufficient to determine the role of this variant in disease. Therefore, it has been classified as a Variant of Uncertain Significance.

Blueprint Genetics
Classification: Uncertain significance. Last evaluated: 2020-05-18. Review status: criteria provided, single submitter. Criteria: ACMG Guidelines, 2015. Collection method: clinical testing. Allele origin: germline.

NM_005120.3(MED12):c.3125G>A (p.Ser1042Asn)

Gene: MED12 (mediator complex subunit 12; plus strand). Cytogenetic location: Xq13.1.
Variant type: single nucleotide variant.
Coding change: c.3125G>A on transcript NM_005120.3 (MANE Select); coding-DNA position 3125, G replaced by A.
Protein change: p.Ser1042Asn; replaces serine 1042 with asparagine.
Molecular consequence: missense variant.
Genome position (GRCh38, 1-based): chrX:71,128,036, G>A. VCF-style: chrX-71128036-G-A. GRCh37 (hg19) VCF-style: chrX-70347886-G-A.
Other names: short protein forms S1042N.
Identifiers: ClinVar variation 458815 (VCV000458815.8), dbSNP rs1556336419, ClinGen allele CA413517469.